The following is an entry in ClinVar:

NM_174916.3(UBR1):c.2853A>G (p.Ser951=)

Gene: UBR1 (ubiquitin protein ligase E3 component n-recognin 1; minus strand). Cytogenetic location: 15q15.2.
Variant type: single nucleotide variant.
Coding change: c.2853A>G on transcript NM_174916.3 (MANE Select); coding-DNA position 2853, A replaced by G.
Protein change: p.Ser951=; no amino-acid change (serine 951 retained).
Molecular consequence: synonymous variant.
Genome position (GRCh38, 1-based): chr15:43,021,362, T>C on the plus strand (A>G on the coding strand, the complement: UBR1 is on the minus strand). VCF-style: chr15-43021362-T-C. GRCh37 (hg19) VCF-style: chr15-43313560-T-C.
Identifiers: ClinVar variation 3030132 (VCV003030132.2), dbSNP rs771285735, ClinGen allele CA7518327.

ClinVar aggregate classification (germline): Likely benign (0 of 4 stars; one submission).

Conditions:
UBR1-related disorder. Also called: UBR1-related condition.

Allele frequency attached by ClinVar (database versions not stated): ExAC 0.00001; gnomAD exomes 0.00001.
gnomAD v4.1: 6 of 1,613,654 alleles (0.00037%); highest among the groups gnomAD compares: Middle Eastern, 0.017%; no homozygotes.

Submission:

PreventionGenetics, part of Exact Sciences
Classification: Likely benign for UBR1-related condition. Last evaluated: 2023-12-21. Review status: no assertion criteria provided. Collection method: clinical testing. Allele origin: germline.
Comment: This variant is classified as likely benign based on ACMG/AMP sequence variant interpretation guidelines (Richards et al. 2015 PMID: 25741868, with internal and published modifications).